The following is an entry in ClinVar:

ClinVar aggregate classification (germline): Uncertain significance (1 of 4 stars; one submission).

Submission:

Ambry Genetics
Classification: Uncertain significance. Last evaluated: 2024-09-01. Review status: criteria provided, single submitter. Criteria: Ambry Variant Classification Scheme 2023. Collection method: clinical testing. Allele origin: germline.
Comment: The p.A208G variant (also known as c.623C>G), located in coding exon 1 of the EGLN2 gene, results from a C to G substitution at nucleotide position 623. The alanine at codon 208 is replaced by glycine, an amino acid with similar properties. This amino acid position is conserved. In addition, this alteration is predicted to be tolerated by in silico analysis. Based on the available evidence, the clinical significance of this variant remains unclear.

NM_080732.4(EGLN2):c.623C>G (p.Ala208Gly)

Genes: EGLN2 (egl-9 family hypoxia inducible factor 2; plus strand), RAB4B-EGLN2 (RAB4B-EGLN2 readthrough (NMD candidate); plus strand). Cytogenetic location: 19q13.2.
Variant type: single nucleotide variant.
Coding change: c.623C>G on transcript NM_080732.4 (MANE Select); coding-DNA position 623, C replaced by G.
Protein change: p.Ala208Gly; replaces alanine 208 with glycine.
Molecular consequence: missense variant. On other transcripts: non-coding transcript variant (1).
Genome position (GRCh38, 1-based): chr19:40,801,195, C>G. VCF-style: chr19-40801195-C-G. GRCh37 (hg19) VCF-style: chr19-41307100-C-G.
Other names: c.623C>G, p.Ala208Gly (NM_053046.4); short protein forms A208G.
Identifiers: ClinVar variation 3507280 (VCV003507280.1).